The following is an entry in ClinVar:

ClinVar aggregate classification (germline): Uncertain significance. Review status: criteria provided, multiple submitters, no conflicts (2 of 4 stars). 2 submissions from 2 submitters: Uncertain significance (2). Last evaluated 2026-08-31.

Conditions:
Cardiovascular phenotype. Identifiers: MedGen CN230736.
Catecholaminergic polymorphic ventricular tachycardia 1. Also called: VENTRICULAR TACHYCARDIA, STRESS-INDUCED POLYMORPHIC 1; VENTRICULAR TACHYCARDIA, CATECHOLAMINERGIC POLYMORPHIC, 1, WITH OR WITHOUT ATRIAL DYSFUNCTION AND/OR DILATED CARDIOMYOPATHY; RYR2-Related Catecholaminergic Polymorphic Ventricular Tachycardia. Identifiers: Orphanet 3286, MedGen C1631597, MONDO:0011484, OMIM 604772.

gnomAD v4.1: 2 of 1,610,624 alleles (0.00012%); highest among the groups gnomAD compares: Non-Finnish European, 0.00017%; no homozygotes.

Submissions (2):

Ambry Genetics
Classification: Uncertain significance for Cardiovascular phenotype. Last evaluated: 2026-08-31. Review status: criteria provided, single submitter. Criteria: Ambry Variant Classification Scheme 2023. Collection method: clinical testing. Allele origin: germline.
Comment: The p.N3767K variant (also known as c.11301T>A), located in coding exon 82 of the RYR2 gene, results from a T to A substitution at nucleotide position 11301. The asparagine at codon 3767 is replaced by lysine, an amino acid with similar properties. This amino acid position is conserved. In addition, the in silico prediction for this alteration is inconclusive. Based on the available evidence, the clinical significance of this variant remains unclear.

Labcorp Genetics (formerly Invitae), Labcorp
Classification: Uncertain significance for Catecholaminergic polymorphic ventricular tachycardia 1. Last evaluated: 2026-01-14. Review status: criteria provided, single submitter. Criteria: Invitae Variant Classification Sherloc (09022015). Collection method: clinical testing. Allele origin: germline.
Comment: This sequence change replaces asparagine, which is neutral and polar, with lysine, which is basic and polar, at codon 3767 of the RYR2 protein (p.Asn3767Lys). This variant is not present in population databases (gnomAD no frequency). This variant has not been reported in the literature in individuals affected with RYR2-related conditions. ClinVar contains an entry for this variant (Variation ID: 1004670). Invitae Evidence Modeling of protein sequence and biophysical properties (such as structural, functional, and spatial information, amino acid conservation, physicochemical variation, residue mobility, and thermodynamic stability) has been performed for this missense variant. However, the output from this modeling did not meet the statistical confidence thresholds required to predict the impact of this variant on RYR2 protein function. Algorithms developed to predict the effect of sequence changes on RNA splicing suggest that this variant may create or strengthen a splice site. In summary, the available evidence is currently insufficient to determine the role of this variant in disease. Therefore, it has been classified as a Variant of Uncertain Significance.

NM_001035.3(RYR2):c.11301T>A (p.Asn3767Lys)

Gene: RYR2 (ryanodine receptor 2; plus strand). Cytogenetic location: 1q43.
Variant type: single nucleotide variant.
Coding change: c.11301T>A on transcript NM_001035.3 (MANE Select); coding-DNA position 11301, T replaced by A.
Protein change: p.Asn3767Lys; replaces asparagine 3767 with lysine.
Molecular consequence: missense variant.
Genome position (GRCh38, 1-based): chr1:237,757,752, T>A. VCF-style: chr1-237757752-T-A. GRCh37 (hg19) VCF-style: chr1-237921052-T-A.
Other names: c.11301T>A (NM_001035.2); short protein forms N3767K.
Identifiers: ClinVar variation 1004670 (VCV001004670.11), dbSNP rs1693079970, ClinGen allele CA345427590.